The following is an entry in ClinVar:

ClinVar aggregate classification (germline): Benign (0 of 4 stars; one submission).

Conditions:
NRG1-related disorder. Also called: NRG1-related condition.

Allele frequency attached by ClinVar (database versions not stated): ESP Exome Variant Server 0.00015; gnomAD exomes 0.00218; TOPMed 0.00280; gnomAD 0.00284; ExAC 0.00524; 1000 Genomes Project 30x 0.01765; 1000 Genomes Project 0.01797.
gnomAD v4.1: 3,771 of 1,614,042 alleles (0.23%); highest among the groups gnomAD compares: East Asian, 7.4%; 136 homozygotes.

Submission:

PreventionGenetics, part of Exact Sciences
Classification: Benign for NRG1-related condition. Last evaluated: 2019-02-18. Review status: no assertion criteria provided. Collection method: clinical testing. Allele origin: germline.
Comment: This variant is classified as benign based on ACMG/AMP sequence variant interpretation guidelines (Richards et al. 2015 PMID: 25741868, with internal and published modifications).

NM_013964.5(NRG1):c.502+30968G>A

Gene: NRG1 (neuregulin 1; plus strand). Cytogenetic location: 8p12.
Variant type: single nucleotide variant.
Coding change: c.502+30968G>A on transcript NM_013964.5 (MANE Select); 30968 bases into the intron after coding-DNA position 502, G replaced by A.
Molecular consequence: intron variant. On other transcripts: missense variant (4).
Genome position (GRCh38, 1-based): chr8:32,647,853, G>A. VCF-style: chr8-32647853-G-A. GRCh37 (hg19) VCF-style: chr8-32505372-G-A.
Other names: c.136G>A, p.Gly46Arg (NM_001322205.2, NM_001322206.2, NM_001322207.2 and 1 more transcripts); c.439+30968G>A (NM_001159999.3); c.388+33289G>A (NM_001159995.3); c.-205+33289G>A (NM_001322201.2); c.337+42170G>A (NM_001160001.3); c.-205+42170G>A (NM_001322202.2); c.1045+42170G>A (NM_013962.3); c.502+30968G>A (NM_013960.5, NM_013956.5, NM_001160004.3 and 4 more transcripts); and 2 more; short protein forms G46R.
Identifiers: ClinVar variation 3060573 (VCV003060573.2), dbSNP rs3735774, ClinGen allele CA4705639.